The following is an entry in ClinVar:

NM_024753.5(TTC21B):c.1068T>C (p.Thr356=)

Gene: TTC21B (tetratricopeptide repeat domain 21B; minus strand). Cytogenetic location: 2q24.3.
Variant type: single nucleotide variant.
Coding change: c.1068T>C on transcript NM_024753.5 (MANE Select); coding-DNA position 1068, T replaced by C.
Protein change: p.Thr356=; no amino-acid change (threonine 356 retained).
Molecular consequence: synonymous variant.
Genome position (GRCh38, 1-based): chr2:165,930,191, A>G on the plus strand (T>C on the coding strand, the complement: TTC21B is on the minus strand). VCF-style: chr2-165930191-A-G. GRCh37 (hg19) VCF-style: chr2-166786701-A-G.
Identifiers: ClinVar variation 4991621 (VCV004991621.1).
Genomic context (GRCh38, chr2:165,930,191, plus strand): 5'-TGTATCTATATTATAAATATTTATGAAAACAGTTGTCATACCAACTAGGGCAGACACACT[A>G]GTCTCATCAAGTGTCATGGCGGTCTTATACCACTTCAGTGCCTCTTTAACTCTTCCTTGT-3'
Protein context (NP_079029.3, residues 346-366): WYKTAMTLDE[Thr356=]SVSALVGFIQ

ClinVar aggregate classification (germline): Likely benign (1 of 4 stars; one submission).

Conditions:
TTC21B-related disorder. Also called: TTC21B-related disorders; TTC21B-related condition.

Submission:

PreventionGenetics, part of Exact Sciences
Classification: Likely benign for TTC21B-related condition. Last evaluated: 2026-07-20. Review status: criteria provided, single submitter. Criteria: ACMG Guidelines, 2015. Collection method: clinical testing. Allele origin: germline.
Comment: This variant is classified as likely benign based on ACMG/AMP sequence variant interpretation guidelines (Richards et al. 2015 PMID: 25741868, with internal and published modifications).